The following is an entry in ClinVar:

ClinVar aggregate classification (germline): Conflicting classifications of pathogenicity. Review status: criteria provided, conflicting classifications (1 of 4 stars). 6 submissions from 6 submitters: Uncertain significance (4); Likely benign (2). Last evaluated 2025-06-12.

Conditions:
Upshaw-Schulman syndrome (TTP). Also called: Congenital thrombotic thrombocytopenic purpura; THROMBOTIC THROMBOCYTOPENIC PURPURA, HEREDITARY. Identifiers: Orphanet 93583, MedGen C1268935, MONDO:0010122, OMIM 274150.
Inborn genetic diseases. Identifiers: MedGen C0950123, MeSH D030342.
ADAMTS13-related disorder. Also called: ADAMTS13-related condition.

Allele frequency attached by ClinVar (database versions not stated): gnomAD exomes 0.00003; ExAC 0.00010; ESP Exome Variant Server 0.00023; TOPMed 0.00032; gnomAD 0.00037; 1000 Genomes Project 30x 0.00125; 1000 Genomes Project 0.00140.

Submissions (6):

Labcorp Genetics (formerly Invitae), Labcorp
Classification: Likely benign. Last evaluated: 2025-06-12. Review status: criteria provided, single submitter. Criteria: Invitae Variant Classification Sherloc (09022015). Collection method: clinical testing. Allele origin: germline.

Women's Health and Genetics/Laboratory Corporation of America, LabCorp
Classification: Uncertain significance. Last evaluated: 2025-05-07. Review status: criteria provided, single submitter. Criteria: LabCorp Variant Classification Summary - May 2015. Collection method: clinical testing. Allele origin: germline.
Comment: Variant summary: ADAMTS13 c.1109G>A (p.Arg370His) results in a non-conservative amino acid change located in the ADAM, cysteine-rich domain (IPR006586) of the encoded protein sequence. Algorithms developed to predict the effect of missense changes on protein structure and function are either unavailable or do not agree on the potential impact of this missense change. The variant allele was found at a frequency of 7.6e-05 in 249760 control chromosomes. This frequency is not significantly higher than estimated for a pathogenic variant in ADAMTS13 causing Thrombotic Thrombocytopenic Purpura, allowing no conclusion about variant significance. To our knowledge, no occurrence of c.1109G>A in individuals affected with Thrombotic Thrombocytopenic Purpura and no experimental evidence demonstrating its impact on protein function have been reported. ClinVar contains an entry for this variant (Variation ID: 2708157). Based on the evidence outlined above, the variant was classified as uncertain significance.

PreventionGenetics, part of Exact Sciences
Classification: Uncertain significance for ADAMTS13-related condition. Last evaluated: 2025-03-28. Review status: criteria provided, single submitter. Criteria: ACMG Guidelines, 2015. Collection method: clinical testing. Allele origin: germline.
Comment: The ADAMTS13 c.1109G>A variant is predicted to result in the amino acid substitution p.Arg370His. To our knowledge, this variant has not been reported in the literature. This variant is reported in 0.097% of alleles in individuals of African descent in gnomAD, which may be too common to be causative. Although we suspect that this variant may be benign, at this time, the clinical significance of this variant is uncertain due to the absence of conclusive functional and genetic evidence.

Ambry Genetics
Classification: Likely benign for Inborn genetic diseases. Last evaluated: 2024-12-31. Review status: criteria provided, single submitter. Criteria: Ambry Variant Classification Scheme 2023. Collection method: clinical testing. Allele origin: germline.

Fulgent Genetics
Classification: Uncertain significance for Upshaw-Schulman syndrome. Last evaluated: 2023-12-22. Review status: criteria provided, single submitter. Criteria: ACMG Guidelines, 2015. Collection method: clinical testing. Allele origin: germline.

Mayo Clinic Laboratories, Mayo Clinic
Classification: Uncertain significance. Last evaluated: 2023-07-12. Review status: criteria provided, single submitter. Criteria: ACMG Guidelines, 2015. Collection method: clinical testing. Allele origin: germline. Observed: 3 variant alleles.
Comment: BP4_strong

NM_139027.6(ADAMTS13):c.1109G>A (p.Arg370His)

Gene: ADAMTS13 (ADAM metallopeptidase with thrombospondin type 1 motif 13; plus strand). Cytogenetic location: 9q34.2.
Variant type: single nucleotide variant.
Coding change: c.1109G>A on transcript NM_139027.6 (MANE Select); coding-DNA position 1109, G replaced by A.
Protein change: p.Arg370His; replaces arginine 370 with histidine.
Molecular consequence: missense variant.
Genome position (GRCh38, 1-based): chr9:133,433,394, G>A. VCF-style: chr9-133433394-G-A. GRCh37 (hg19) VCF-style: chr9-136298514-G-A.
Other names: p.Arg370His; c.1109G>A, p.Arg370His (NM_139025.5); c.1016G>A, p.Arg339His (NM_139026.6); c.1109G>A (NM_139025.3); short protein forms R339H, R370H.
Identifiers: ClinVar variation 2708157 (VCV002708157.12), dbSNP rs200406381, ClinGen allele CA200926852.
Genomic context (GRCh38, chr9:133,433,394, plus strand): 5'-GGGGTCACTGTGGGATGGGAGATGAAGCCATCCTTGCCTTGCAGTGGTGCTCCAAGGGTC[G>A]CTGCCGCTCCCTGGTGGAGCTGACCCCCATAGCAGCAGTGCATGGGCGCTGGTCTAGCTG-3'
Protein context (NP_620596.2, residues 360-380): CGVEKWCSKG[Arg370His]CRSLVELTPI